The following is an entry in ClinVar:

NM_021625.5(TRPV4):c.1390C>T (p.Arg464Cys)

Gene: TRPV4 (transient receptor potential cation channel subfamily V member 4; minus strand). Cytogenetic location: 12q24.11.
Variant type: single nucleotide variant.
Coding change: c.1390C>T on transcript NM_021625.5 (MANE Select); coding-DNA position 1390, C replaced by T.
Protein change: p.Arg464Cys; replaces arginine 464 with cysteine.
Molecular consequence: missense variant.
Genome position (GRCh38, 1-based): chr12:109,794,430, G>A on the plus strand (C>T on the coding strand, the complement: TRPV4 is on the minus strand). VCF-style: chr12-109794430-G-A. GRCh37 (hg19) VCF-style: chr12-110232235-G-A.
Other names: c.1249C>T, p.Arg417Cys (NM_001177428.2); c.1288C>T, p.Arg430Cys (NM_001177431.2); c.1069C>T, p.Arg357Cys (NM_001177433.2); c.1210C>T, p.Arg404Cys (NM_147204.3); short protein forms R464C, R404C, R417C, R430C, R357C.
Identifiers: ClinVar variation 246534 (VCV000246534.44), dbSNP rs373049874, ClinGen allele CA6780254.

ClinVar aggregate classification (germline): Conflicting classifications of pathogenicity. Review status: criteria provided, conflicting classifications (1 of 4 stars). 11 submissions from 6 submitters: Uncertain significance (4); Likely benign (6). 1 of the submissions does not count toward it. Last evaluated 2026-08-01.

Conditions:
Scapuloperoneal spinal muscular atrophy (SPSMA). Also called: Scapuloperoneal spinal muscular atrophy, autosomal dominant; Scapuloperoneal Spinal Muscular Atrophy, TRPV4-Related; AMYOTROPHY, NEUROGENIC SCAPULOPERONEAL, NEW ENGLAND TYPE; Scapuloperoneal Form of Spinal Muscular Atrophy. Identifiers: Orphanet 431255, MedGen C0751335, MONDO:0008408, OMIM 181405.
Metatropic dysplasia (MTD). Also called: Metatropic Dysplasia, TRPV4-Related; Metatropic dysplasia, nonlethal dominant; METATROPIC DWARFISM. Identifiers: Orphanet 2635, MedGen C0265281, MONDO:0007986, OMIM 156530.
Spondylometaphyseal dysplasia, Kozlowski type (SMDK). Also called: Spondylometaphyseal Dysplasia, TRPV4-Related (Kozlowski Type); Dysmorphism arthrogryposis skeletal maturation advanced; Jequier-Kozlowski syndrome; Skeletal dysplasia Jequier-Kozlowski type; SMD Kozlowski type. Identifiers: Orphanet 93314, MedGen C0265280, MONDO:0008477, OMIM 184252.
Brachyrachia (short spine dysplasia) (BCYM3). Also called: Autosomal dominant brachyolmia; BRACHYRACHIA; Brachyolmia, TRPV4-Related; Brachyolmia Type 3. Identifiers: Orphanet 93304, MedGen C0432227, MONDO:0007232, OMIM 113500.
Charcot-Marie-Tooth disease axonal type 2C (HMSN2C). Also called: Charcot-Marie-Tooth Disease Type 2, TRPV4-Related (CMT2C); CHARCOT-MARIE-TOOTH DISEASE, AXONAL, AUTOSOMAL DOMINANT, TYPE 2C; Charcot-Marie-Tooth Neuropathy Type 2C. Identifiers: Orphanet 99937, MedGen C1853710, MONDO:0011633, OMIM 606071.
Neuronopathy, distal hereditary motor, autosomal dominant 8. Also called: Autosomal dominant congenital benign spinal muscular atrophy; SPINAL MUSCULAR ATROPHY, CONGENITAL BENIGN, WITH CONTRACTURES; NEURONOPATHY, DISTAL HEREDITARY MOTOR, TYPE VIII; NEUROPATHY, DISTAL HEREDITARY MOTOR, TYPE VIII. Identifiers: Orphanet 1216, MedGen C1838492, MONDO:0010839, OMIM 600175.
Tip-toe gait. Also called: Toe walking. Identifiers: MedGen C0427144, HP:0030051.

Allele frequency attached by ClinVar (database versions not stated): gnomAD 0.00001; TOPMed 0.00002; gnomAD exomes 0.00004; ExAC 0.00005; ESP Exome Variant Server 0.00015.
gnomAD v4.1: 60 of 1,613,908 alleles (0.0037%); highest among the groups gnomAD compares: Middle Eastern, 0.016%; no homozygotes.

Submissions (11):

CeGaT Center for Human Genetics Tuebingen
Classification: Likely benign. Last evaluated: 2026-08-01. Review status: criteria provided, single submitter. Criteria: CeGaT Center For Human Genetics Tuebingen Variant Classification Criteria Version 2. Collection method: clinical testing. Allele origin: germline. Affected: yes. Observed: 2 variant alleles.
Comment: TRPV4: BS1

Labcorp Genetics (formerly Invitae), Labcorp
Classification: Uncertain significance for Charcot-Marie-Tooth disease axonal type 2C. Last evaluated: 2025-12-09. Review status: criteria provided, single submitter. Criteria: Invitae Variant Classification Sherloc (09022015). Collection method: clinical testing. Allele origin: germline.
Comment: This sequence change replaces arginine, which is basic and polar, with cysteine, which is neutral and slightly polar, at codon 464 of the TRPV4 protein (p.Arg464Cys). The frequency data for this variant in the population databases is considered unreliable, as metrics indicate poor data quality at this position in the gnomAD database. This missense change has been observed in individual(s) with clinical features of TRPV4-related conditions (PMID: 31475037). ClinVar contains an entry for this variant (Variation ID: 246534). Invitae Evidence Modeling of protein sequence and biophysical properties (such as structural, functional, and spatial information, amino acid conservation, physicochemical variation, residue mobility, and thermodynamic stability) has been performed for this missense variant. However, the output from this modeling did not meet the statistical confidence thresholds required to predict the impact of this variant on TRPV4 protein function. In summary, the available evidence is currently insufficient to determine the role of this variant in disease. Therefore, it has been classified as a Variant of Uncertain Significance.

GeneDx
Classification: Uncertain significance. Last evaluated: 2024-06-16. Review status: criteria provided, single submitter. Criteria: GeneDx Variant Classification Process June 2021. Collection method: clinical testing. Allele origin: germline. Affected: yes.
Comment: Reported previously in a patient with ALS; however, no further clinical information was provided (PMID: 31475037); In silico analysis supports that this missense variant has a deleterious effect on protein structure/function; This variant is associated with the following publications: (PMID: 31475037)

Athena Diagnostics
Classification: Uncertain significance. Last evaluated: 2023-08-17. Review status: criteria provided, single submitter. Criteria: Athena Diagnostics Criteria. Collection method: clinical testing. Allele origin: unknown.
Comment: Available data are insufficient to determine the clinical significance of the variant at this time. The frequency of this variant in the general population is higher than would generally be expected for pathogenic variants in this gene. This variant has been seen where an alternate explanation for disease was also identified, suggesting this variant may not cause disease. Computational tools disagree on the variant's effect on normal protein function.

Illumina Laboratory Services, Illumina
Classification: Uncertain significance for Charcot-Marie-Tooth disease axonal type 2C. Last evaluated: 2018-01-12. Review status: criteria provided, single submitter. Criteria: ICSL Variant Classification Criteria 13 December 2019. Collection method: clinical testing. Allele origin: germline.

Illumina Laboratory Services, Illumina
Classification: Likely benign for Neuronopathy, distal hereditary motor, autosomal dominant 8. Last evaluated: 2018-01-12. Review status: criteria provided, single submitter. Criteria: ICSL Variant Classification Criteria 13 December 2019. Collection method: clinical testing. Allele origin: germline.
Comment: This variant was observed in the ICSL laboratory as part of a predisposition screen in an ostensibly healthy population. It had not been previously curated by ICSL or reported in the Human Gene Mutation Database (HGMD: prior to June 1st, 2018), and was therefore a candidate for classification through an automated scoring system. Utilizing variant allele frequency, disease prevalence and penetrance estimates, and inheritance mode, an automated score was calculated to assess if this variant is too frequent to cause the disease. Based on the score and internal cut-off values, a variant classified as likely benign is not then subjected to further curation. The score for this variant resulted in a classification of likely benign for this disease.

Illumina Laboratory Services, Illumina
Classification: Likely benign for Spondylometaphyseal dysplasia, Kozlowski type. Last evaluated: 2018-01-12. Review status: criteria provided, single submitter. Criteria: ICSL Variant Classification Criteria 13 December 2019. Collection method: clinical testing. Allele origin: germline.
Comment: the same text as in the submission from Illumina Laboratory Services, Illumina above.

Illumina Laboratory Services, Illumina
Classification: Likely benign for Scapuloperoneal spinal muscular atrophy. Last evaluated: 2018-01-12. Review status: criteria provided, single submitter. Criteria: ICSL Variant Classification Criteria 13 December 2019. Collection method: clinical testing. Allele origin: germline.
Comment: the same text as in the submission from Illumina Laboratory Services, Illumina above.

Illumina Laboratory Services, Illumina
Classification: Likely benign for Brachyrachia (short spine dysplasia). Last evaluated: 2018-01-12. Review status: criteria provided, single submitter. Criteria: ICSL Variant Classification Criteria 13 December 2019. Collection method: clinical testing. Allele origin: germline.
Comment: the same text as in the submission from Illumina Laboratory Services, Illumina above.

Illumina Laboratory Services, Illumina
Classification: Likely benign for Metatropic dysplasia. Last evaluated: 2018-01-12. Review status: criteria provided, single submitter. Criteria: ICSL Variant Classification Criteria 13 December 2019. Collection method: clinical testing. Allele origin: germline.
Comment: the same text as in the submission from Illumina Laboratory Services, Illumina above.

Practice for Gait Abnormalities, David Pomarino, Competency Network Toe Walking C/o Practice Pomarino
Classification: Uncertain significance for Tip-toe gait. Last evaluated: 2023-05-23. Review status: no assertion criteria provided. Collection method: clinical testing. Allele origin: germline. Affected: yes. Not counted in ClinVar's aggregate classification.
Comment: Hereditary motor sensory neuropathy (HMSN), also known as Charcot-Marie-Tooth Disease (CMT), is the most commonly inherited peripheral polyneuropathy. It constitutes a group of inherited, progressive, motor and sensory peripheral nerve disorders with properties of demyelination, axonal degeneration, or both. It is classified by clinical characteristics, modes of inheritance, electrophysiologic features, metabolic defects, and specific gene markers. Our patients all walk on tiptoe, so they show similar symptoms. When we genetically test them with our toe walking panel, we find that around 90 per cent of them have a genetic variant that explains their toe walking. These can be assigned, for example, to the area of myopathies (such as variants of the COL6A3 gene), the area of hereditary neuropathies (such as variants of the KMT2C gene) or the area of metabolic diseases (such as variants of the PYGM gene). In a smaller group of patients with almost identical symptoms, no abnormality is found in the genes of our panel, but spastic paraplegia can be detected. In another small group of our toe walkers, no abnormalities can be detected in the genes analysed in our toe walking panel, nor do they suffer from spastic paraplegia, as is also the case with healthy children. In contrast to these, however, they show a tiptoe gait. These patients suffer from infantile cerebral palsy, in which toe walking can also be observed.

Literature cited by the submitters: PubMed 31475037 (cited by Labcorp Genetics (formerly Invitae), Labcorp and Athena Diagnostics); PubMed 37091313 (cited by Practice for Gait Abnormalities, David Pomarino, Competency Network Toe Walking C/o Practice Pomarino).